The following is an entry in ClinVar:

ClinVar aggregate classification (germline): Uncertain significance (1 of 4 stars; one submission).

Allele frequency attached by ClinVar (database versions not stated): gnomAD exomes 0.00002; ExAC 0.00007.
gnomAD v4.1: 34 of 1,614,056 alleles (0.0021%); highest among the groups gnomAD compares: East Asian, 0.029%; no homozygotes.

Submission:

GeneDx
Classification: Uncertain significance. Last evaluated: 2026-09-08. Review status: criteria provided, single submitter. Criteria: GeneDx Variant Classification Process June 2021. Collection method: clinical testing. Allele origin: germline.
Comment: In silico analysis supports that this missense variant has a deleterious effect on protein structure/function; Has not been previously published as pathogenic or benign to our knowledge

NM_001039141.3(TRIOBP):c.7001G>A (p.Arg2334Gln)

Gene: TRIOBP (TRIO and F-actin binding protein; plus strand). Cytogenetic location: 22q13.1.
Variant type: single nucleotide variant.
Coding change: c.7001G>A on transcript NM_001039141.3 (MANE Select); coding-DNA position 7001, G replaced by A.
Protein change: p.Arg2334Gln; replaces arginine 2334 with glutamine.
Molecular consequence: missense variant.
Genome position (GRCh38, 1-based): chr22:37,772,665, G>A. VCF-style: chr22-37772665-G-A. GRCh37 (hg19) VCF-style: chr22-38168672-G-A.
Other names: c.1862G>A, p.Arg621Gln (NM_007032.5); short protein forms R2334Q, R621Q.
Identifiers: ClinVar variation 2499947 (VCV002499947.2), dbSNP rs764421619, ClinGen allele CA10225317.